The following is an entry in ClinVar:

ClinVar aggregate classification (germline): Uncertain significance. Review status: criteria provided, multiple submitters, no conflicts (2 of 4 stars). 2 submissions from 2 submitters: Uncertain significance (2). Last evaluated 2024-11-22.

Conditions:
MT-ATP6-related disorder.
Leigh syndrome (NULS). Also called: Leigh's necrotizing encephalopathy; Leigh's disease; Leigh Syndrome (mtDNA deletion); Leigh Disease; Subacute necrotizing encephalopathy; Necrotizing encephalopathy infantile subacute of Leigh. Identifiers: Orphanet 506, MedGen C2931891, MONDO:0009723, OMIM 256000.

Submissions (2):

3billion
Classification: Uncertain significance for MT-ATP6-related disorder. Last evaluated: 2024-11-22. Review status: criteria provided, single submitter. Criteria: ACMG Guidelines, 2015. Collection method: clinical testing. Allele origin: germline. Affected: yes.
Comment: The variant is not observed in the gnomAD v4.1.0 dataset. Predicted Consequence/Location: Mitochondrial variant The same nucleotide change resulting in the same amino acid change has been previously reported to be associated with MT-ATP6 related disorder (PMID: 32042910). However, the evidence of pathogenicity is insufficient at this time. A different missense change at the same codon (p.Gly86Glu) has been reported as pathogenic/likely pathogenic with strong evidence (PMID: 32652755). Therefore, this variant is classified as VUS according to the recommendation of ACMG/AMP guideline.

Wong Mito Lab, Molecular and Human Genetics, Baylor College of Medicine
Classification: Uncertain significance for Leigh syndrome. Last evaluated: 2019-10-17. Review status: criteria provided, single submitter. Criteria: Modified ACMG Guidelines (Unpublished). Collection method: clinical testing. Allele origin: germline.
Comment: The NC_012920.1:m.8782G>A (YP_003024031.1:p.Gly86Ter) variant in MTATP6 gene is interpretated to be a Uncertain Significance variant based on the modified ACMG guidelines (unpublished). This variant meets the following evidence codes: no criteria

Literature cited by the submitters: PubMed 32042910 (cited by 3billion); PubMed 32652755 (cited by 3billion).

NC_012920.1(MT-ATP6):m.8782G>A

Gene: MT-ATP6 (mitochondrially encoded ATP synthase 6; plus strand).
Variant type: single nucleotide variant.
Genome position: chrM-8782-G-A.
Identifiers: ClinVar variation 692982 (VCV000692982.2), dbSNP rs1603221801, ClinGen allele CA414798049.